The following is an entry in ClinVar:

ClinVar aggregate classification (germline): Uncertain significance (1 of 4 stars; one submission).

Allele frequency attached by ClinVar (database versions not stated): gnomAD exomes below 0.00001; TOPMed below 0.00001; ExAC 0.00001; gnomAD 0.00001.
gnomAD v4.1: 3 of 1,613,576 alleles (0.00019%); highest among the groups gnomAD compares: African/African-American, 0.0013%; no homozygotes.

Submission:

Labcorp Genetics (formerly Invitae), Labcorp
Classification: Uncertain significance. Last evaluated: 2023-09-08. Review status: criteria provided, single submitter. Criteria: Invitae Variant Classification Sherloc (09022015). Collection method: clinical testing. Allele origin: germline.
Comment: In summary, the available evidence is currently insufficient to determine the role of this variant in disease. Therefore, it has been classified as a Variant of Uncertain Significance. Advanced modeling of protein sequence and biophysical properties (such as structural, functional, and spatial information, amino acid conservation, physicochemical variation, residue mobility, and thermodynamic stability) performed at Invitae indicates that this missense variant is not expected to disrupt DFNA5 protein function. This variant has not been reported in the literature in individuals affected with DFNA5-related conditions. This variant is present in population databases (rs761407115, gnomAD 0.0009%). This sequence change replaces isoleucine, which is neutral and non-polar, with threonine, which is neutral and polar, at codon 63 of the DFNA5 protein (p.Ile63Thr).

NM_001127453.2(GSDME):c.188T>C (p.Ile63Thr)

Gene: GSDME (gasdermin E; minus strand). Cytogenetic location: 7p15.3.
Variant type: single nucleotide variant.
Coding change: c.188T>C on transcript NM_001127453.2 (MANE Select); coding-DNA position 188, T replaced by C.
Protein change: p.Ile63Thr; replaces isoleucine 63 with threonine.
Molecular consequence: missense variant. On other transcripts: intron variant (1).
Genome position (GRCh38, 1-based): chr7:24,749,587, A>G on the plus strand (T>C on the coding strand, the complement: GSDME is on the minus strand). VCF-style: chr7-24749587-A-G. GRCh37 (hg19) VCF-style: chr7-24789206-A-G.
Other names: c.188T>C, p.Ile63Thr (NM_004403.3); c.-281-4833T>C (NM_001127454.2); short protein forms I63T.
Identifiers: ClinVar variation 2752540 (VCV002752540.3), dbSNP rs761407115, ClinGen allele CA4191828.